The following is an entry in ClinVar:

ClinVar aggregate classification (germline): Pathogenic (1 of 4 stars; one submission).

Submission:

GeneDx
Classification: Pathogenic. Last evaluated: 2017-09-22. Review status: criteria provided, single submitter. Criteria: GeneDx Variant Classification (06012015). Collection method: clinical testing. Allele origin: germline. Affected: yes.
Comment: The W776X variant in the AHDC1 gene has not been reported previously as a pathogenic variant nor as a benign variant, to our knowledge. This variant is predicted to cause loss of normal protein function either through protein truncation or nonsense-mediated mRNA decay. The W776X variant is not observed in large population cohorts (Lek et al., 2016). We interpret W776X as a pathogenic variant.

NM_001371928.1(AHDC1):c.2327G>A (p.Trp776Ter)

Gene: AHDC1 (AT-hook DNA binding motif containing 1; minus strand). Cytogenetic location: 1p36.11.
Variant type: single nucleotide variant.
Coding change: c.2327G>A on transcript NM_001371928.1 (MANE Select); coding-DNA position 2327, G replaced by A.
Protein change: p.Trp776Ter; replaces tryptophan 776 with a stop codon.
Molecular consequence: nonsense.
Genome position (GRCh38, 1-based): chr1:27,549,789, C>T on the plus strand (G>A on the coding strand, the complement: AHDC1 is on the minus strand). VCF-style: chr1-27549789-C-T. GRCh37 (hg19) VCF-style: chr1-27876300-C-T.
Other names: c.2327G>A, p.Trp776Ter (NM_001029882.3); short protein forms W776*.
Identifiers: ClinVar variation 452095 (VCV000452095.2), dbSNP rs1553159009, ClinGen allele CA339232056.